The following is an entry in ClinVar:

ClinVar aggregate classification (germline): Uncertain significance (1 of 4 stars; one submission).

Submission:

Labcorp Genetics (formerly Invitae), Labcorp
Classification: Uncertain significance. Last evaluated: 2024-02-06. Review status: criteria provided, single submitter. Criteria: Invitae Variant Classification Sherloc (09022015). Collection method: clinical testing. Allele origin: germline.
Comment: This sequence change replaces arginine, which is basic and polar, with histidine, which is basic and polar, at codon 1459 of the DCHS1 protein (p.Arg1459His). Information on the frequency of this variant in the gnomAD database is not available, as this variant may be reported differently in the database. This variant has not been reported in the literature in individuals affected with DCHS1-related conditions. An algorithm developed to predict the effect of missense changes on protein structure and function (PolyPhen-2) suggests that this variant is likely to be tolerated. In summary, the available evidence is currently insufficient to determine the role of this variant in disease. Therefore, it has been classified as a Variant of Uncertain Significance.

NM_003737.4(DCHS1):c.4376_4377delinsAT (p.Arg1459His)

Gene: DCHS1 (dachsous cadherin-related 1; minus strand). Cytogenetic location: 11p15.4.
Variant type: Indel.
Coding change: c.4376_4377delinsAT on transcript NM_003737.4 (MANE Select); coding-DNA positions 4376 to 4377, GC replaced by AT.
Protein change: p.Arg1459His; replaces arginine 1459 with histidine.
Molecular consequence: missense variant.
Genome position (GRCh38, 1-based): chr11:6,630,417-6,630,418, GC replaced by AT on the plus strand (GC replaced by AT on the coding strand, the reverse complement: DCHS1 is on the minus strand). VCF-style: chr11-6630417-GC-AT. GRCh37 (hg19) VCF-style: chr11-6651648-GC-AT.
Other names: short protein forms R1459H.
Identifiers: ClinVar variation 2779486 (VCV002779486.3), dbSNP rs2493824676, ClinGen allele CA2739276202.